The following is an entry in ClinVar:

ClinVar aggregate classification (germline): Uncertain significance (1 of 4 stars; one submission).

Conditions:
Joubert syndrome. Also called: CEREBELLOPARENCHYMAL DISORDER IV; JOUBERT-BOLTSHAUSER SYNDROME; Familial aplasia of the vermis. Identifiers: Orphanet 475, MedGen C5979921, MONDO:0018772.
Nephronophthisis. Also called: Juvenile Nephronophthisis. Identifiers: Orphanet 655, MedGen C0687120, MONDO:0019005, HP:0000090.
Meckel-Gruber syndrome. Also called: DYSENCEPHALIA SPLANCHNOCYSTICA; GRUBER SYNDROME; Dysencephalia splachnocystica. Identifiers: Orphanet 564, MedGen C0265215, MONDO:0018921.

Allele frequency attached by ClinVar (database versions not stated): ExAC 0.00001.
gnomAD v4.1: 1 of 1,608,072 alleles (0.000062%); highest among the groups gnomAD compares: East Asian, 0.0022%; no homozygotes.

Submission:

Labcorp Genetics (formerly Invitae), Labcorp
Classification: Uncertain significance for Joubert syndrome; Meckel-Gruber syndrome; Nephronophthisis. Last evaluated: 2021-09-27. Review status: criteria provided, single submitter. Criteria: Invitae Variant Classification Sherloc (09022015). Collection method: clinical testing. Allele origin: germline.
Comment: In summary, the available evidence is currently insufficient to determine the role of this variant in disease. Therefore, it has been classified as a Variant of Uncertain Significance. Algorithms developed to predict the effect of sequence changes on RNA splicing suggest that this variant may create or strengthen a splice site. Algorithms developed to predict the effect of missense changes on protein structure and function output the following: SIFT: "Tolerated"; PolyPhen-2: "Benign"; Align-GVGD: "Class C0". The serine amino acid residue is found in multiple mammalian species, which suggests that this missense change does not adversely affect protein function. This variant has not been reported in the literature in individuals affected with CEP290-related conditions. This variant is present in population databases (rs770836483, ExAC 0.01%). This sequence change replaces cysteine with serine at codon 929 of the CEP290 protein (p.Cys929Ser). The cysteine residue is weakly conserved and there is a moderate physicochemical difference between cysteine and serine.

NM_025114.4(CEP290):c.2785T>A (p.Cys929Ser)

Gene: CEP290 (centrosomal protein 290; minus strand). Cytogenetic location: 12q21.32.
Variant type: single nucleotide variant.
Coding change: c.2785T>A on transcript NM_025114.4 (MANE Select); coding-DNA position 2785, T replaced by A.
Protein change: p.Cys929Ser; replaces cysteine 929 with serine.
Molecular consequence: missense variant.
Genome position (GRCh38, 1-based): chr12:88,106,707, A>T on the plus strand (T>A on the coding strand, the complement: CEP290 is on the minus strand). VCF-style: chr12-88106707-A-T. GRCh37 (hg19) VCF-style: chr12-88500484-A-T.
Other names: short protein forms C929S.
Identifiers: ClinVar variation 1381770 (VCV001381770.6), dbSNP rs770836483, ClinGen allele CA6712273.